The following is an entry in ClinVar:

NM_000051.4(ATM):c.3208G>T (p.Val1070Leu)

Gene: ATM (ATM serine/threonine kinase; plus strand). Cytogenetic location: 11q22.3.
Variant type: single nucleotide variant.
Coding change: c.3208G>T on transcript NM_000051.4 (MANE Select); coding-DNA position 3208, G replaced by T.
Protein change: p.Val1070Leu; replaces valine 1070 with leucine.
Molecular consequence: missense variant.
Genome position (GRCh38, 1-based): chr11:108,272,776, G>T. VCF-style: chr11-108272776-G-T. GRCh37 (hg19) VCF-style: chr11-108143503-G-T.
Other names: c.3208G>T, p.Val1070Leu (NM_001351834.2); short protein forms V1070L.
Identifiers: ClinVar variation 233047 (VCV000233047.5), dbSNP rs587780620, ClinGen allele CA10579089.

ClinVar aggregate classification (germline): Uncertain significance (1 of 4 stars; one submission).

Conditions:
Hereditary cancer-predisposing syndrome. Also called: Neoplastic Syndromes, Hereditary; Tumor predisposition; Hereditary Cancer Syndrome; Hereditary neoplastic syndrome. Identifiers: Orphanet 140162, MedGen C0027672, MeSH D009386, MONDO:0015356.

Submission:

Ambry Genetics
Classification: Uncertain significance for Hereditary cancer-predisposing syndrome. Last evaluated: 2015-07-21. Review status: criteria provided, single submitter. Criteria: Ambry Variant Classification Scheme 2023. Collection method: clinical testing. Allele origin: germline.
Comment: The p.V1070L variant (also known as c.3208G>T), located in coding exon 21 of the ATM gene, results from a G to T substitution at nucleotide position 3208. The valine at codon 1070 is replaced by leucine, an amino acid with highly similar properties. This amino acid position is highly conserved in available vertebrate species. In addition, the in silico prediction for this alteration is inconclusive. Since supporting evidence is limited at this time, the clinical significance of this alteration remains unclear.